The following is an entry in ClinVar:

NM_182914.3(SYNE2):c.15599A>G (p.Glu5200Gly)

Gene: SYNE2 (spectrin repeat containing nuclear envelope protein 2; plus strand). Cytogenetic location: 14q23.2.
Variant type: single nucleotide variant.
Coding change: c.15599A>G on transcript NM_182914.3 (MANE Select); coding-DNA position 15599, A replaced by G.
Protein change: p.Glu5200Gly; replaces glutamic acid 5200 with glycine.
Molecular consequence: missense variant.
Genome position (GRCh38, 1-based): chr14:64,146,183, A>G. VCF-style: chr14-64146183-A-G. GRCh37 (hg19) VCF-style: chr14-64612901-A-G.
Other names: c.15599A>G, p.Glu5200Gly (NM_015180.6); short protein forms E5200G.
Identifiers: ClinVar variation 1426280 (VCV001426280.8), dbSNP rs2153697258, ClinGen allele CA389947427.

ClinVar aggregate classification (germline): Uncertain significance (1 of 4 stars; one submission).

Conditions:
Emery-Dreifuss muscular dystrophy 5, autosomal dominant (EDMD5). Also called: EMERY-DREIFUSS MUSCULAR DYSTROPHY 5. Identifiers: Orphanet 261, MedGen C2751805, MONDO:0013072, OMIM 612999.

Submission:

Labcorp Genetics (formerly Invitae), Labcorp
Classification: Uncertain significance for Emery-Dreifuss muscular dystrophy 5, autosomal dominant. Last evaluated: 2022-11-15. Review status: criteria provided, single submitter. Criteria: Invitae Variant Classification Sherloc (09022015). Collection method: clinical testing. Allele origin: germline.
Comment: Algorithms developed to predict the effect of missense changes on protein structure and function output the following: SIFT: "Tolerated"; PolyPhen-2: "Benign"; Align-GVGD: "Class C0". The glycine amino acid residue is found in multiple mammalian species, which suggests that this missense change does not adversely affect protein function. In summary, the available evidence is currently insufficient to determine the role of this variant in disease. Therefore, it has been classified as a Variant of Uncertain Significance. This variant is not present in population databases (gnomAD no frequency). This variant has not been reported in the literature in individuals affected with SYNE2-related conditions. ClinVar contains an entry for this variant (Variation ID: 1426280). This sequence change replaces glutamic acid, which is acidic and polar, with glycine, which is neutral and non-polar, at codon 5200 of the SYNE2 protein (p.Glu5200Gly).